The following is an entry in ClinVar:

ClinVar aggregate classification (germline): Uncertain significance (1 of 4 stars; one submission).

Conditions:
Inborn genetic diseases. Identifiers: MedGen C0950123, MeSH D030342.

Submission:

Ambry Genetics
Classification: Uncertain significance for Inborn genetic diseases. Last evaluated: 2025-05-25. Review status: criteria provided, single submitter. Criteria: Ambry Variant Classification Scheme 2023. Collection method: clinical testing. Allele origin: germline.
Comment: The p.P171S variant (also known as c.511C>T), located in coding exon 2 of the KDM1A gene, results from a C to T substitution at nucleotide position 511. The proline at codon 171 is replaced by serine, an amino acid with similar properties. This amino acid position is conserved. In addition, this alteration is predicted to be tolerated by in silico analysis. Based on the available evidence, the clinical significance of this variant remains unclear.

NM_001009999.3(KDM1A):c.511C>T (p.Pro171Ser)

Gene: KDM1A (lysine demethylase 1A; plus strand). Cytogenetic location: 1p36.12.
Variant type: single nucleotide variant.
Coding change: c.511C>T on transcript NM_001009999.3 (MANE Select); coding-DNA position 511, C replaced by T.
Protein change: p.Pro171Ser; replaces proline 171 with serine.
Molecular consequence: missense variant.
Genome position (GRCh38, 1-based): chr1:23,030,628, C>T. VCF-style: chr1-23030628-C-T. GRCh37 (hg19) VCF-style: chr1-23357121-C-T.
Other names: c.511C>T, p.Pro171Ser (NM_001363654.2, NM_001410762.1, NM_001410763.1 and 1 more transcripts); short protein forms P171S.
Identifiers: ClinVar variation 4042158 (VCV004042158.1).